The following is an entry in ClinVar:

NM_006978.3(RNF113A):c.196A>G (p.Met66Val)

Gene: RNF113A (ring finger protein 113A; minus strand). Cytogenetic location: Xq24.
Variant type: single nucleotide variant.
Coding change: c.196A>G on transcript NM_006978.3 (MANE Select); coding-DNA position 196, A replaced by G.
Protein change: p.Met66Val; replaces methionine 66 with valine.
Molecular consequence: missense variant.
Genome position (GRCh38, 1-based): chrX:119,871,418, T>C on the plus strand (A>G on the coding strand, the complement: RNF113A is on the minus strand). VCF-style: chrX-119871418-T-C. GRCh37 (hg19) VCF-style: chrX-119005381-T-C.
Other names: short protein forms M66V.
Identifiers: ClinVar variation 2696872 (VCV002696872.3), dbSNP rs981234204, ClinGen allele CA334110259.
Genomic context (GRCh38, chrX:119,871,418, plus strand): 5'-CGCTGCTCAAGTCGCCGTAAGCCGCCTTCTGTTTACCACTGTCACGGGTCTTCTGTATCA[T>C]TGGATTGTGGGTCACCCGCTTCTTTTCCGGTCGAACCACAGTGCAGCCTTCGTCGCTACT-3'
Protein context (NP_008909.1, residues 56-76): PEKKRVTHNP[Met66Val]IQKTRDSGKQ

ClinVar aggregate classification (germline): Uncertain significance (1 of 4 stars; one submission).

Submission:

Labcorp Genetics (formerly Invitae), Labcorp
Classification: Uncertain significance. Last evaluated: 2024-02-21. Review status: criteria provided, single submitter. Criteria: Invitae Variant Classification Sherloc (09022015). Collection method: clinical testing. Allele origin: germline.
Comment: This sequence change replaces methionine, which is neutral and non-polar, with valine, which is neutral and non-polar, at codon 66 of the RNF113A protein (p.Met66Val). This variant is not present in population databases (gnomAD no frequency). This variant has not been reported in the literature in individuals affected with RNF113A-related conditions. Advanced modeling of protein sequence and biophysical properties (such as structural, functional, and spatial information, amino acid conservation, physicochemical variation, residue mobility, and thermodynamic stability) performed at Invitae indicates that this missense variant is not expected to disrupt RNF113A protein function with a negative predictive value of 80%. In summary, the available evidence is currently insufficient to determine the role of this variant in disease. Therefore, it has been classified as a Variant of Uncertain Significance.